The following is an entry in ClinVar:

NM_001849.4(COL6A2):c.1912_1914del (p.Val638del)

Gene: COL6A2 (collagen type VI alpha 2 chain; plus strand). Cytogenetic location: 21q22.3.
Variant type: Deletion.
Coding change: c.1912_1914del on transcript NM_001849.4 (MANE Select); coding-DNA positions 1912 to 1914, 3 bases deleted (GTC; older notation c.1912_1914delGTC).
Protein change: p.Val638del; deletes valine 638.
Molecular consequence: inframe deletion.
Genome position (GRCh38, 1-based): chr21:46,125,560-46,125,562, GTC deleted; deleting any 3 consecutive bases within chr21:46,125,558-46,125,562 gives the same sequence; the c. name uses the placement nearest the transcript's 3' end. VCF-style (leftmost placement, unchanged base first): chr21-46125557-TTCG-T. GRCh37 (hg19) VCF-style: chr21-47545471-TTCG-T.
Other names: c.1912_1914delGTC (NM_001849.3); c.1912_1914del, p.Val638del (NM_058174.3, NM_058175.3); short protein forms V638del.
Identifiers: ClinVar variation 664052 (VCV000664052.6), dbSNP rs1568939674, ClinGen allele CA638497866.

ClinVar aggregate classification (germline): Uncertain significance. Review status: criteria provided, multiple submitters, no conflicts (2 of 4 stars). 2 submissions from 2 submitters: Uncertain significance (2). Last evaluated 2023-08-20.

Conditions:
Bethlem myopathy 1A. Also called: Bethlem Muscular Dystrophy; Bethlem myopathy 1; MYOPATHY, BENIGN CONGENITAL, WITH CONTRACTURES. Identifiers: Orphanet 610, MedGen CN029274, MONDO:0024530, OMIM 158810.

Submissions (2):

Labcorp Genetics (formerly Invitae), Labcorp
Classification: Uncertain significance for Bethlem myopathy 1A. Last evaluated: 2023-08-20. Review status: criteria provided, single submitter. Criteria: Invitae Variant Classification Sherloc (09022015). Collection method: clinical testing. Allele origin: germline.
Comment: In summary, the available evidence is currently insufficient to determine the role of this variant in disease. Therefore, it has been classified as a Variant of Uncertain Significance. Experimental studies and prediction algorithms are not available or were not evaluated, and the functional significance of this variant is currently unknown. ClinVar contains an entry for this variant (Variation ID: 664052). This variant has been observed in individual(s) with Type VI collagenopathy (PMID: 24271325). This variant is present in population databases (no rsID available, gnomAD 0.003%). This variant, c.1912_1914del, results in the deletion of 1 amino acid(s) of the COL6A2 protein (p.Val638del), but otherwise preserves the integrity of the reading frame.

Institute of Human Genetics, University of Leipzig Medical Center
Classification: Uncertain significance for Bethlem myopathy 1A. Last evaluated: 2023-05-10. Review status: criteria provided, single submitter. Criteria: ACMG Guidelines, 2015. Collection method: clinical testing. Allele origin: unknown. Inheritance: Autosomal recessive inheritance. Affected: yes.
Comment: Criteria applied: PM2_SUP,PM4_SUP

Literature cited by the submitters: PubMed 24271325 (cited by Labcorp Genetics (formerly Invitae), Labcorp).